The following is an entry in ClinVar:

ClinVar aggregate classification (germline): Uncertain significance (1 of 4 stars; one submission).

Allele frequency attached by ClinVar (database versions not stated): gnomAD exomes below 0.00001; TOPMed 0.00001; gnomAD 0.00003.
gnomAD v4.1: 10 of 1,589,922 alleles (0.00063%); highest among the groups gnomAD compares: Admixed American, 0.0034%; no homozygotes.

Submission:

GeneDx
Classification: Uncertain significance. Last evaluated: 2024-02-22. Review status: criteria provided, single submitter. Criteria: GeneDx Variant Classification Process June 2021. Collection method: clinical testing. Allele origin: germline. Affected: yes.
Comment: Has not been previously published as pathogenic or benign to our knowledge; In silico analysis supports that this missense variant does not alter protein structure/function

NM_001365276.2(TNXB):c.9949G>A (p.Val3317Ile)

Gene: TNXB (tenascin XB; minus strand). Cytogenetic location: 6p21.33.
Variant type: single nucleotide variant.
Coding change: c.9949G>A on transcript NM_001365276.2 (MANE Select); coding-DNA position 9949, G replaced by A.
Protein change: p.Val3317Ile; replaces valine 3317 with isoleucine.
Molecular consequence: missense variant.
Genome position (GRCh38, 1-based): chr6:32,048,459, C>T on the plus strand (G>A on the coding strand, the complement: TNXB is on the minus strand). VCF-style: chr6-32048459-C-T. GRCh37 (hg19) VCF-style: chr6-32016236-C-T.
Other names: c.9943G>A, p.Val3315Ile (NM_019105.8); short protein forms V3315I, V3317I.
Identifiers: ClinVar variation 3252145 (VCV003252145.1), dbSNP rs1346548429.
Genomic context (GRCh38, chr6:32,048,459, plus strand): 5'-TCCCATTCTGGAGTCCAAAGAGCAGGAACTTGTACTTGCGGGCCGGGTCCAGCCCCGAGA[C>T]GGCGACCGCTCGGAGGTCTCCGCTCACAGGCACTGCCTGGGGCTGCCCCTGCGCGTCCCT-3'
Protein context (NP_001352205.1, residues 3307-3327): PVSGDLRAVA[Val3317Ile]SGLDPARKYK